The following is an entry in ClinVar:

ClinVar aggregate classification (germline): Uncertain significance (1 of 4 stars; one submission).

Conditions:
PURA-related severe neonatal hypotonia-seizures-encephalopathy syndrome (NEDRIHF). Also called: NEURODEVELOPMENTAL DISORDER WITH NEONATAL RESPIRATORY INSUFFICIENCY, HYPOTONIA, AND FEEDING DIFFICULTIES; PURA-Related Neurodevelopmental Disorders. Identifiers: Orphanet 438213, Orphanet 438216, MedGen C4015357, MONDO:1060108, OMIM 616158, MONDO:0018580.

Allele frequency attached by ClinVar (database versions not stated): ExAC 0.00001; TOPMed 0.00002; gnomAD exomes 0.00002 and 0.00001; gnomAD 0.00001.
gnomAD v4.1: 33 of 1,608,914 alleles (0.0021%); highest among the groups gnomAD compares: Non-Finnish European, 0.0026%; no homozygotes.

Submission:

Labcorp Genetics (formerly Invitae), Labcorp
Classification: Uncertain significance for PURA-related severe neonatal hypotonia-seizures-encephalopathy syndrome. Last evaluated: 2025-08-22. Review status: criteria provided, single submitter. Criteria: Invitae Variant Classification Sherloc (09022015). Collection method: clinical testing. Allele origin: germline.
Comment: This sequence change replaces alanine, which is neutral and non-polar, with threonine, which is neutral and polar, at codon 307 of the PURA protein (p.Ala307Thr). This variant is present in population databases (rs751843411, gnomAD 0.007%). This variant has not been reported in the literature in individuals affected with PURA-related conditions. ClinVar contains an entry for this variant (Variation ID: 656023). Invitae Evidence Modeling of protein sequence and biophysical properties (such as structural, functional, and spatial information, amino acid conservation, physicochemical variation, residue mobility, and thermodynamic stability) indicates that this missense variant is not expected to disrupt PURA protein function with a negative predictive value of 95%. In summary, the available evidence is currently insufficient to determine the role of this variant in disease. Therefore, it has been classified as a Variant of Uncertain Significance.

NM_005859.5(PURA):c.919G>A (p.Ala307Thr)

Gene: PURA (purine rich element binding protein A; plus strand). Cytogenetic location: 5q31.3.
Variant type: single nucleotide variant.
Coding change: c.919G>A on transcript NM_005859.5 (MANE Select); coding-DNA position 919, G replaced by A.
Protein change: p.Ala307Thr; replaces alanine 307 with threonine.
Molecular consequence: missense variant.
Genome position (GRCh38, 1-based): chr5:140,115,100, G>A. VCF-style: chr5-140115100-G-A. GRCh37 (hg19) VCF-style: chr5-139494685-G-A.
Other names: short protein forms A307T.
Identifiers: ClinVar variation 656023 (VCV000656023.9), dbSNP rs751843411, ClinGen allele CA3437515.